The following is an entry in ClinVar:

NM_000264.5(PTCH1):c.4012C>T (p.Arg1338Cys)

Gene: PTCH1 (patched 1; minus strand). Cytogenetic location: 9q22.32.
Variant type: single nucleotide variant.
Coding change: c.4012C>T on transcript NM_000264.5 (MANE Select); coding-DNA position 4012, C replaced by T.
Protein change: p.Arg1338Cys; replaces arginine 1338 with cysteine.
Molecular consequence: missense variant. On other transcripts: non-coding transcript variant (1).
Genome position (GRCh38, 1-based): chr9:95,447,244, G>A on the plus strand (C>T on the coding strand, the complement: PTCH1 is on the minus strand). VCF-style: chr9-95447244-G-A. GRCh37 (hg19) VCF-style: chr9-98209526-G-A.
Other names: c.3814C>T, p.Arg1272Cys (NM_001083602.3); c.4009C>T, p.Arg1337Cys (NM_001083603.3); c.3559C>T, p.Arg1187Cys (NM_001083604.3, NM_001083605.3, NM_001083606.3 and 1 more transcripts); c.3856C>T, p.Arg1286Cys (NM_001354918.2); c.4012C>T (NM_000264.4); short protein forms R1272C, R1338C, R1337C, R1187C, R1286C.
Identifiers: ClinVar variation 453875 (VCV000453875.15), dbSNP rs374346190, ClinGen allele CA5137985.

ClinVar aggregate classification (germline): Conflicting classifications of pathogenicity. Review status: criteria provided, conflicting classifications (1 of 4 stars). 4 submissions from 4 submitters: Uncertain significance (2); Benign (2). Last evaluated 2025-12-21.

Conditions:
Hereditary cancer-predisposing syndrome. Also called: Tumor predisposition; Hereditary Cancer Syndrome; Neoplastic Syndromes, Hereditary; Hereditary neoplastic syndrome. Identifiers: Orphanet 140162, MedGen C0027672, MeSH D009386, MONDO:0015356.
Gorlin syndrome. Also called: Basal cell nevus syndrome; Nevoid Basal Cell Carcinoma Syndrome. Identifiers: Orphanet 377, MedGen C0004779, MONDO:0007187.

Allele frequency attached by ClinVar (database versions not stated): ExAC 0.00003; gnomAD 0.00003; gnomAD exomes 0.00003 and 0.00004; TOPMed 0.00004; ESP Exome Variant Server 0.00008.
gnomAD v4.1: 72 of 1,612,636 alleles (0.0045%); highest among the groups gnomAD compares: Non-Finnish European, 0.0046%; no homozygotes.

Submissions (4):

Labcorp Genetics (formerly Invitae), Labcorp
Classification: Benign for Gorlin syndrome. Last evaluated: 2025-12-21. Review status: criteria provided, single submitter. Criteria: Invitae Variant Classification Sherloc (09022015). Collection method: clinical testing. Allele origin: germline.

Center for Genomic Medicine, Rigshospitalet, Copenhagen University Hospital
Classification: Uncertain significance. Last evaluated: 2025-03-04. Review status: criteria provided, single submitter. Criteria: ACMG Guidelines, 2015. Collection method: clinical testing. Allele origin: germline.

Quest Diagnostics Nichols Institute San Juan Capistrano
Classification: Uncertain significance. Last evaluated: 2024-06-14. Review status: criteria provided, single submitter. Criteria: Quest Diagnostics criteria. Collection method: clinical testing. Allele origin: unknown.
Comment: The PTCH1 c.4012C>T (p.Arg1338Cys) variant has not been reported in individuals with PTCH1-related conditions in the published literature. The frequency of this variant in the general population, 0.000036 (4/110098 chromosomes (Genome Aggregation Database)), is uninformative in the assessment of its pathogenicity. Analysis of this variant using bioinformatics tools for the prediction of the effect of amino acid changes on protein structure and function yielded predictions that this variant is benign. Based on the available information, we are unable to determine the clinical significance of this variant.

Ambry Genetics
Classification: Benign for Hereditary cancer-predisposing syndrome. Last evaluated: 2022-10-26. Review status: criteria provided, single submitter. Criteria: Ambry Variant Classification Scheme 2023. Collection method: clinical testing. Allele origin: germline.